The following is an entry in ClinVar:

NM_001081.4(CUBN):c.4702G>A (p.Asp1568Asn)

Gene: CUBN (cubilin; minus strand). Cytogenetic location: 10p13.
Variant type: single nucleotide variant.
Coding change: c.4702G>A on transcript NM_001081.4 (MANE Select); coding-DNA position 4702, G replaced by A.
Protein change: p.Asp1568Asn; replaces aspartic acid 1568 with asparagine.
Molecular consequence: missense variant.
Genome position (GRCh38, 1-based): chr10:16,954,542, C>T on the plus strand (G>A on the coding strand, the complement: CUBN is on the minus strand). VCF-style: chr10-16954542-C-T. GRCh37 (hg19) VCF-style: chr10-16996541-C-T.
Other names: short protein forms D1568N.
Identifiers: ClinVar variation 1023718 (VCV001023718.7), dbSNP rs533512333, ClinGen allele CA5424273.

ClinVar aggregate classification (germline): Uncertain significance. Review status: criteria provided, multiple submitters, no conflicts (2 of 4 stars). 2 submissions from 2 submitters: Uncertain significance (2). Last evaluated 2022-03-30.

Conditions:
Proteinuria, chronic benign. Identifiers: MedGen C5394384, MONDO:0030042, OMIM 618884.
Imerslund-Grasbeck syndrome type 1 (IGS1). Also called: Megaloblastic anemia 1, Finnish type; Imerslund-Gräsbeck syndrome 1; MEGALOBLASTIC ANEMIA, 1. Identifiers: MedGen C4016819, MONDO:0100156, OMIM 261100.
Imerslund-Grasbeck syndrome. Also called: Imerslund-Gräsbeck syndrome; ENTEROCYTE COBALAMIN MALABSORPTION; ENTEROCYTE INTRINSIC FACTOR RECEPTOR, DEFECT OF; PERNICIOUS ANEMIA, JUVENILE, DUE TO SELECTIVE INTESTINAL MALABSORPTION OF VITAMIN B12, WITH PROTEINURIA; Megaloblastic anemia due to inborn errors of metabolism. Identifiers: Orphanet 35858, MedGen C4551825, MONDO:0009853.

Allele frequency attached by ClinVar (database versions not stated): gnomAD 0.00002; gnomAD exomes 0.00021 and 0.00012; TOPMed below 0.00001; ExAC 0.00018; 1000 Genomes Project 30x 0.00031; 1000 Genomes Project 0.00040.
gnomAD v4.1: 179 of 1,613,356 alleles (0.011%); highest among the groups gnomAD compares: South Asian, 0.17%; no homozygotes.

Submissions (2):

Fulgent Genetics
Classification: Uncertain significance for Imerslund-Grasbeck syndrome type 1; Proteinuria, chronic benign. Last evaluated: 2022-03-30. Review status: criteria provided, single submitter. Criteria: ACMG Guidelines, 2015. Collection method: clinical testing. Allele origin: unknown.

Labcorp Genetics (formerly Invitae), Labcorp
Classification: Uncertain significance for Imerslund-Grasbeck syndrome. Last evaluated: 2021-08-31. Review status: criteria provided, single submitter. Criteria: Invitae Variant Classification Sherloc (09022015). Collection method: clinical testing. Allele origin: germline.
Comment: This sequence change replaces aspartic acid with asparagine at codon 1568 of the CUBN protein (p.Asp1568Asn). The aspartic acid residue is moderately conserved and there is a small physicochemical difference between aspartic acid and asparagine. This variant is present in population databases (rs533512333, ExAC 0.1%). This variant has not been reported in the literature in individuals affected with CUBN-related conditions. Algorithms developed to predict the effect of missense changes on protein structure and function are either unavailable or do not agree on the potential impact of this missense change (SIFT: "Deleterious"; PolyPhen-2: "Probably Damaging"; Align-GVGD: "Class C0"). In summary, the available evidence is currently insufficient to determine the role of this variant in disease. Therefore, it has been classified as a Variant of Uncertain Significance.